The following is an entry in ClinVar:

NM_000311.5(PRNP):c.-4C>T

Gene: PRNP (prion protein (Kanno blood group); plus strand). Cytogenetic location: 20p13.
Variant type: single nucleotide variant.
Coding change: c.-4C>T on transcript NM_000311.5 (MANE Select); 4 bases upstream of the start codon, C replaced by T.
Molecular consequence: 5 prime UTR variant.
Genome position (GRCh38, 1-based): chr20:4,699,217, C>T. VCF-style: chr20-4699217-C-T. GRCh37 (hg19) VCF-style: chr20-4679863-C-T.
Other names: c.-4C>T (NM_001080121.3, NM_001080122.3, NM_001080123.3 and 1 more transcripts); c.-93C>T (NM_001271561.3).
Identifiers: ClinVar variation 4684406 (VCV004684406.1).

ClinVar aggregate classification (germline): Likely benign (1 of 4 stars; one submission).

gnomAD v4.1: 1 of 1,613,994 alleles (0.000062%); highest among the groups gnomAD compares: Non-Finnish European, 0.000085%; no homozygotes.

Submission:

Mayo Clinic Laboratories, Mayo Clinic
Classification: Likely benign. Last evaluated: 2025-01-20. Review status: criteria provided, single submitter. Criteria: ACMG Guidelines, 2015. Collection method: clinical testing. Allele origin: germline. Observed: 1 variant allele.
Comment: BP4, BP7